The following is an entry in ClinVar:

NM_138295.5(PKD1L1):c.5467G>A (p.Asp1823Asn)

Gene: PKD1L1 (polycystin 1 like 1, transient receptor potential channel interacting; minus strand). Cytogenetic location: 7p12.3.
Variant type: single nucleotide variant.
Coding change: c.5467G>A on transcript NM_138295.5 (MANE Select); coding-DNA position 5467, G replaced by A.
Protein change: p.Asp1823Asn; replaces aspartic acid 1823 with asparagine.
Molecular consequence: missense variant.
Genome position (GRCh38, 1-based): chr7:47,840,546, C>T on the plus strand (G>A on the coding strand, the complement: PKD1L1 is on the minus strand). VCF-style: chr7-47840546-C-T. GRCh37 (hg19) VCF-style: chr7-47880144-C-T.
Other names: short protein forms D1823N.
Identifiers: ClinVar variation 770375 (VCV000770375.50), dbSNP rs116988549, ClinGen allele CA4252823.
Genomic context (GRCh38, chr7:47,840,546, plus strand): 5'-TCCTTTCAAACAGGGGCTTCTCTGGACAGGAGAGCTCCTTGGTTTCTGACAGTCCATTGT[C>T]GCCACATAAAACAATGTACACCTCAAAACAAAGAACAGGGGTGGGAACTCAGGCTATTTC-3'
Protein context (NP_612152.1, residues 1813-1833): TSKVYIVLCG[Asp1823Asn]NGLSETKELS

ClinVar aggregate classification (germline): Conflicting classifications of pathogenicity. Review status: criteria provided, conflicting classifications (1 of 4 stars). 7 submissions from 7 submitters: Uncertain significance (1); Likely benign (3). 3 of the submissions do not count toward it. Last evaluated 2026-01-15.

Conditions:
Inborn genetic diseases. Identifiers: MedGen C0950123, MeSH D030342.

Allele frequency attached by ClinVar (database versions not stated): 1000 Genomes Project 0.00300; 1000 Genomes Project 30x 0.00344; ExAC 0.00414; gnomAD exomes 0.00430 and 0.00691; gnomAD 0.00509 and 0.00557; ESP Exome Variant Server 0.00546; TOPMed 0.00600.
gnomAD v4.1: 10,878 of 1,613,784 alleles (0.67%); highest among the groups gnomAD compares: Non-Finnish European, 0.83%; 49 homozygotes.

Submissions (7):

Labcorp Genetics (formerly Invitae), Labcorp
Classification: Likely benign. Last evaluated: 2026-01-15. Review status: criteria provided, single submitter. Criteria: Invitae Variant Classification Sherloc (09022015). Collection method: clinical testing. Allele origin: germline.

CeGaT Center for Human Genetics Tuebingen
Classification: Likely benign. Last evaluated: 2025-11-01. Review status: criteria provided, single submitter. Criteria: CeGaT Center For Human Genetics Tuebingen Variant Classification Criteria Version 2. Collection method: clinical testing. Allele origin: germline. Affected: yes. Observed: 2 variant alleles.
Comment: PKD1L1: BP4, BS2

Ambry Genetics
Classification: Uncertain significance for Inborn genetic diseases. Last evaluated: 2021-08-09. Review status: criteria provided, single submitter. Criteria: Ambry Variant Classification Scheme 2023. Collection method: clinical testing. Allele origin: germline.

Breakthrough Genomics
Classification: Likely benign. Review status: criteria provided, single submitter. Criteria: ACMG Guidelines, 2015. Collection method: not provided. Allele origin: germline. Inheritance: Autosomal recessive inheritance. Affected: yes.

Diagnostic Laboratory, Department of Genetics, University Medical Center Groningen
Classification: Likely benign. Review status: no assertion criteria provided. Collection method: clinical testing. Allele origin: germline. Affected: yes. Study: VKGL Data-share Consensus. Not counted in ClinVar's aggregate classification.

Joint Genome Diagnostic Labs from Nijmegen and Maastricht, Radboudumc and MUMC+
Classification: Benign. Review status: no assertion criteria provided. Collection method: clinical testing. Allele origin: germline. Affected: yes. Study: VKGL Data-share Consensus. Not counted in ClinVar's aggregate classification.

Laboratory of Diagnostic Genome Analysis, Leiden University Medical Center (LUMC)
Classification: Likely benign. Review status: no assertion criteria provided. Collection method: clinical testing. Allele origin: germline. Affected: yes. Study: VKGL Data-share Consensus. Not counted in ClinVar's aggregate classification.